The following is an entry in ClinVar:

ClinVar aggregate classification (germline): Uncertain significance (1 of 4 stars; one submission).

Submission:

Labcorp Genetics (formerly Invitae), Labcorp
Classification: Uncertain significance. Last evaluated: 2024-11-19. Review status: criteria provided, single submitter. Criteria: Invitae Variant Classification Sherloc (09022015). Collection method: clinical testing. Allele origin: germline.
Comment: This sequence change replaces serine, which is neutral and polar, with alanine, which is neutral and non-polar, at codon 192 of the RHAG protein (p.Ser192Ala). This variant is not present in population databases (gnomAD no frequency). This variant has not been reported in the literature in individuals affected with RHAG-related conditions. An algorithm developed to predict the effect of missense changes on protein structure and function (PolyPhen-2) suggests that this variant is likely to be tolerated. In summary, the available evidence is currently insufficient to determine the role of this variant in disease. Therefore, it has been classified as a Variant of Uncertain Significance.

NM_000324.3(RHAG):c.574T>G (p.Ser192Ala)

Gene: RHAG (Rh associated glycoprotein; minus strand). Cytogenetic location: 6p12.3.
Variant type: single nucleotide variant.
Coding change: c.574T>G on transcript NM_000324.3 (MANE Select); coding-DNA position 574, T replaced by G.
Protein change: p.Ser192Ala; replaces serine 192 with alanine.
Molecular consequence: missense variant.
Genome position (GRCh38, 1-based): chr6:49,615,690, A>C on the plus strand (T>G on the coding strand, the complement: RHAG is on the minus strand). VCF-style: chr6-49615690-A-C. GRCh37 (hg19) VCF-style: chr6-49583403-A-C.
Other names: short protein forms S192A.
Identifiers: ClinVar variation 3715723 (VCV003715723.2).